The following is an entry in ClinVar:

NM_003718.5(CDK13):c.3428C>T (p.Thr1143Ile)

Gene: CDK13 (cyclin dependent kinase 13; plus strand). Cytogenetic location: 7p14.1.
Variant type: single nucleotide variant.
Coding change: c.3428C>T on transcript NM_003718.5 (MANE Select); coding-DNA position 3428, C replaced by T.
Protein change: p.Thr1143Ile; replaces threonine 1143 with isoleucine.
Molecular consequence: missense variant.
Genome position (GRCh38, 1-based): chr7:40,092,977, C>T. VCF-style: chr7-40092977-C-T. GRCh37 (hg19) VCF-style: chr7-40132576-C-T.
Other names: c.3248C>T, p.Thr1083Ile (NM_031267.4); short protein forms T1083I, T1143I.
Identifiers: ClinVar variation 3718071 (VCV003718071.2).

ClinVar aggregate classification (germline): Uncertain significance (1 of 4 stars; one submission).

Submission:

Labcorp Genetics (formerly Invitae), Labcorp
Classification: Uncertain significance. Last evaluated: 2024-11-05. Review status: criteria provided, single submitter. Criteria: Invitae Variant Classification Sherloc (09022015). Collection method: clinical testing. Allele origin: germline.
Comment: This sequence change replaces threonine, which is neutral and polar, with isoleucine, which is neutral and non-polar, at codon 1143 of the CDK13 protein (p.Thr1143Ile). This variant is not present in population databases (gnomAD no frequency). This variant has not been reported in the literature in individuals affected with CDK13-related conditions. Invitae Evidence Modeling of protein sequence and biophysical properties (such as structural, functional, and spatial information, amino acid conservation, physicochemical variation, residue mobility, and thermodynamic stability) indicates that this missense variant is not expected to disrupt CDK13 protein function with a negative predictive value of 95%. In summary, the available evidence is currently insufficient to determine the role of this variant in disease. Therefore, it has been classified as a Variant of Uncertain Significance.